The following is an entry in ClinVar:

NM_001042492.3(NF1):c.1160G>A (p.Ser387Asn)

Gene: NF1 (neurofibromin 1; plus strand). Cytogenetic location: 17q11.2.
Variant type: single nucleotide variant.
Coding change: c.1160G>A on transcript NM_001042492.3 (MANE Select); coding-DNA position 1160, G replaced by A.
Protein change: p.Ser387Asn; replaces serine 387 with asparagine.
Molecular consequence: missense variant.
Genome position (GRCh38, 1-based): chr17:31,201,134, G>A. VCF-style: chr17-31201134-G-A. GRCh37 (hg19) VCF-style: chr17-29528152-G-A.
Other names: c.1160G>A, p.Ser387Asn (NM_000267.4, NM_001128147.3); short protein forms S387N.
Identifiers: ClinVar variation 480140 (VCV000480140.13), dbSNP rs1555611025, ClinGen allele CA398997187.
Genomic context (GRCh38, chr17:31,201,134, plus strand): 5'-GCAGTCAGCCTGCAGATGTGGATCTAATGATTGACTGCCTTGTTTCTTGCTTTCGTATAA[G>A]CCCTCACAACAACCAACACTTTAAGGTGAGAGCATTGGTTTTTATCTAACTATATTTACT-3'
Protein context (NP_001035957.1, residues 377-397): IDCLVSCFRI[Ser387Asn]PHNNQHFKIC

ClinVar aggregate classification (germline): Conflicting classifications of pathogenicity. Review status: criteria provided, conflicting classifications (1 of 4 stars). 3 submissions from 3 submitters: Uncertain significance (2); Likely benign (1). Last evaluated 2026-07-07.

Conditions:
Hereditary cancer-predisposing syndrome. Also called: Neoplastic Syndromes, Hereditary; Hereditary neoplastic syndrome; Hereditary Cancer Syndrome; Tumor predisposition. Identifiers: Orphanet 140162, MedGen C0027672, MeSH D009386, MONDO:0015356.
Cardiovascular phenotype. Identifiers: MedGen CN230736.
Neurofibromatosis, type 1 (NF1). Also called: VON RECKLINGHAUSEN DISEASE; Neurofibromatosis, type I; Peripheral type neurofibromatosis; NEUROFIBROMATOSIS, TYPE I, SOMATIC. Identifiers: Orphanet 636, MedGen C0027831, MONDO:0018975, OMIM 162200. Disease mechanism: loss of function.

Allele frequency attached by ClinVar (database versions not stated): TOPMed below 0.00001.

Submissions (3):

Ambry Genetics
Classification: Likely benign for Cardiovascular phenotype; Hereditary cancer-predisposing syndrome. Last evaluated: 2026-07-07. Review status: criteria provided, single submitter. Criteria: Ambry Variant Classification Scheme 2023. Collection method: clinical testing. Allele origin: germline.

Labcorp Genetics (formerly Invitae), Labcorp
Classification: Uncertain significance for Neurofibromatosis, type 1. Last evaluated: 2025-01-01. Review status: criteria provided, single submitter. Criteria: Invitae Variant Classification Sherloc (09022015). Collection method: clinical testing. Allele origin: germline.
Comment: This sequence change replaces serine, which is neutral and polar, with asparagine, which is neutral and polar, at codon 387 of the NF1 protein (p.Ser387Asn). This variant is not present in population databases (gnomAD no frequency). This variant has not been reported in the literature in individuals affected with NF1-related conditions. ClinVar contains an entry for this variant (Variation ID: 480140). Invitae Evidence Modeling of protein sequence and biophysical properties (such as structural, functional, and spatial information, amino acid conservation, physicochemical variation, residue mobility, and thermodynamic stability) indicates that this missense variant is not expected to disrupt NF1 protein function with a negative predictive value of 95%. In summary, the available evidence is currently insufficient to determine the role of this variant in disease. Therefore, it has been classified as a Variant of Uncertain Significance.

Genome-Nilou Lab
Classification: Uncertain significance for Neurofibromatosis, type 1. Last evaluated: 2022-03-15. Review status: criteria provided, single submitter. Criteria: ACMG Guidelines, 2015. Collection method: clinical testing. Allele origin: germline. Affected: no.